The following is an entry in ClinVar:

NM_001256071.3(RNF213):c.4132_4133del (p.Leu1378fs)

Gene: RNF213 (ring finger protein 213; plus strand). Cytogenetic location: 17q25.3.
Variant type: Deletion.
Coding change: c.4132_4133del on transcript NM_001256071.3 (MANE Select); coding-DNA positions 4132 to 4133, 2 bases deleted (TT; older notation c.4132_4133delTT).
Protein change: p.Leu1378fs; shifts the reading frame from leucine 1378.
Molecular consequence: frameshift variant.
Genome position (GRCh38, 1-based): chr17:80,332,620-80,332,621, TT deleted; deleting any 2 consecutive bases within chr17:80,332,619-80,332,621 gives the same sequence; the c. name uses the placement nearest the transcript's 3' end. VCF-style (leftmost placement, unchanged base first): chr17-80332618-CTT-C. GRCh37 (hg19) VCF-style: chr17-78306418-CTT-C.
Other names: short protein forms L1378fs.
Identifiers: ClinVar variation 1315900 (VCV001315900.2), dbSNP rs2143979868, ClinGen allele CA502405885.

ClinVar aggregate classification (germline): Uncertain significance (1 of 4 stars; one submission).

Submission:

GeneDx
Classification: Uncertain significance. Last evaluated: 2020-02-10. Review status: criteria provided, single submitter. Criteria: GeneDx Variant Classification Process June 2021. Collection method: clinical testing. Allele origin: germline. Affected: yes.
Comment: Frameshift variant predicted to result in protein truncation or nonsense mediated decay in a gene for which loss-of-function is not a known mechanism of disease; Not observed in large population cohorts (Lek et al., 2016); Has not been previously published as pathogenic or benign to our knowledge